The following is an entry in ClinVar:

NM_001378454.1(ALMS1):c.895C>T (p.Pro299Ser)

Gene: ALMS1 (ALMS1 centrosome and basal body associated protein; plus strand). Cytogenetic location: 2p13.1.
Variant type: single nucleotide variant.
Coding change: c.895C>T on transcript NM_001378454.1 (MANE Select); coding-DNA position 895, C replaced by T.
Protein change: p.Pro299Ser; replaces proline 299 with serine.
Molecular consequence: missense variant.
Genome position (GRCh38, 1-based): chr2:73,424,560, C>T. VCF-style: chr2-73424560-C-T. GRCh37 (hg19) VCF-style: chr2-73651688-C-T.
Other names: c.898C>T, p.Pro300Ser (NM_015120.4); short protein forms P299S, P300S.
Identifiers: ClinVar variation 916712 (VCV000916712.3), dbSNP rs1349884233, ClinGen allele CA347260801.

ClinVar aggregate classification (germline): Uncertain significance. Review status: criteria provided, multiple submitters, no conflicts (2 of 4 stars). 2 submissions from 2 submitters: Uncertain significance (2). Last evaluated 2021-02-10.

Conditions:
Monogenic diabetes. Identifiers: Orphanet 183625, MedGen C3888631, MONDO:0015967.
Cardiovascular phenotype. Identifiers: MedGen CN230736.

gnomAD v4.1: 1 of 1,613,858 alleles (0.000062%); highest among the groups gnomAD compares: South Asian, 0.0011%; no homozygotes.

Submissions (2):

Ambry Genetics
Classification: Uncertain significance for Cardiovascular phenotype. Last evaluated: 2021-02-10. Review status: criteria provided, single submitter. Criteria: Ambry Variant Classification Scheme 2023. Collection method: clinical testing. Allele origin: germline.
Comment: The p.P300S variant (also known as c.898C>T), located in coding exon 5 of the ALMS1 gene, results from a C to T substitution at nucleotide position 898. The proline at codon 300 is replaced by serine, an amino acid with similar properties. This amino acid position is not well conserved in available vertebrate species, and serine is the reference amino acid in other vertebrate species. In addition, this alteration is predicted to be tolerated by in silico analysis. Since supporting evidence is limited at this time, the clinical significance of this alteration remains unclear.

Personalized Diabetes Medicine Program, University of Maryland School of Medicine
Classification: Uncertain significance for Monogenic diabetes. Last evaluated: 2018-07-27. Review status: criteria provided, single submitter. Criteria: ACMG Guidelines, 2015. Collection method: research. Allele origin: unknown. Observed: 1 variant allele, 1 heterozygote.
Comment: ACMG criteria: PM2, BP1 (missense in gene with truncating known), (REVEL score 0.242 + 9 BP4 predictors= conflicting evidence, not using)= VUS